The following is an entry in ClinVar:

ClinVar aggregate classification (germline): Benign/Likely benign. Review status: criteria provided, multiple submitters, no conflicts (2 of 4 stars). 5 submissions from 5 submitters: Benign (1); Likely benign (3). 1 of the submissions does not count toward it. Last evaluated 2025-09-01.

Conditions:
MYH6-related disorder. Also called: MYH6-related condition; MYH6-Related Disorders.

Allele frequency attached by ClinVar (database versions not stated): gnomAD 0.00009 and 0.00020; gnomAD exomes 0.00012 and 0.00031; TOPMed 0.00018; ExAC 0.00026; 1000 Genomes Project 0.00140; 1000 Genomes Project 30x 0.00141.
gnomAD v4.1: 219 of 1,614,214 alleles (0.014%); highest among the groups gnomAD compares: East Asian, 0.34%; no homozygotes.

Submissions (5):

CeGaT Center for Human Genetics Tuebingen
Classification: Likely benign. Last evaluated: 2025-09-01. Review status: criteria provided, single submitter. Criteria: CeGaT Center For Human Genetics Tuebingen Variant Classification Criteria Version 2. Collection method: clinical testing. Allele origin: germline. Affected: yes. Observed: 1 variant allele.
Comment: MYH6: BS1

Blueprint Genetics
Classification: Likely benign. Last evaluated: 2024-11-08. Review status: criteria provided, single submitter. Criteria: ACMG Guidelines, 2015. Collection method: clinical testing. Allele origin: germline.

Women's Health and Genetics/Laboratory Corporation of America, LabCorp
Classification: Benign. Last evaluated: 2022-03-05. Review status: criteria provided, single submitter. Criteria: LabCorp Variant Classification Summary - May 2015. Collection method: clinical testing. Allele origin: germline.

GeneDx
Classification: Likely benign. Last evaluated: 2017-08-24. Review status: criteria provided, single submitter. Criteria: GeneDx Variant Classification (06012015). Collection method: clinical testing. Allele origin: germline. Affected: yes.
Comment: This variant is considered likely benign or benign based on one or more of the following criteria: it is a conservative change, it occurs at a poorly conserved position in the protein, it is predicted to be benign by multiple in silico algorithms, and/or has population frequency not consistent with disease.

PreventionGenetics, part of Exact Sciences
Classification: Likely benign for MYH6-related condition. Last evaluated: 2020-09-02. Review status: no assertion criteria provided. Collection method: clinical testing. Allele origin: germline. Not counted in ClinVar's aggregate classification.
Comment: This variant is classified as likely benign based on ACMG/AMP sequence variant interpretation guidelines (Richards et al. 2015 PMID: 25741868, with internal and published modifications).

NM_002471.4(MYH6):c.-8G>A

Genes: MYH6 (myosin heavy chain 6; minus strand), LOC114827851 (VISTA enhancer hs2155; plus strand). Cytogenetic location: 14q11.2.
Variant type: single nucleotide variant.
Coding change: c.-8G>A on transcript NM_002471.4 (MANE Select); 8 bases upstream of the start codon, G replaced by A.
Molecular consequence: 5 prime UTR variant.
Genome position (GRCh38, 1-based): chr14:23,407,231, C>T on the plus strand (G>A on the coding strand, the complement: MYH6 is on the minus strand). VCF-style: chr14-23407231-C-T. GRCh37 (hg19) VCF-style: chr14-23876440-C-T.
Identifiers: ClinVar variation 312884 (VCV000312884.12), dbSNP rs28730779, ClinGen allele CA7116282.